The following is an entry in ClinVar:

NM_001165963.4(SCN1A):c.4582-2A>G

Genes: SCN1A (sodium voltage-gated channel alpha subunit 1; minus strand), LOC102724058 (uncharacterized LOC102724058; plus strand). Cytogenetic location: 2q24.3.
Variant type: single nucleotide variant.
Coding change: c.4582-2A>G on transcript NM_001165963.4 (MANE Select); the canonical splice acceptor site of the intron before coding-DNA position 4582, A replaced by G.
Molecular consequence: splice acceptor variant.
Genome position (GRCh38, 1-based): chr2:165,994,418, T>C on the plus strand (A>G on the coding strand, the complement: SCN1A is on the minus strand). VCF-style: chr2-165994418-T-C. GRCh37 (hg19) VCF-style: chr2-166850928-T-C.
Other names: c.4549-2A>G (NM_001353949.2, NM_001353950.2, NM_001353951.2 and 2 more transcripts); c.4498-2A>G (NM_001353958.2, NM_001353957.2, NM_001165964.3); c.4582-2A>G (NM_001202435.3, NM_001353948.2); c.4546-2A>G (NM_001353955.2, NM_001353954.2); c.4495-2A>G (NM_001353960.2); c.2140-2A>G (NM_001353961.2).
Identifiers: ClinVar variation 1327585 (VCV001327585.5), dbSNP rs2105449932, ClinGen allele CA349072391.
Genomic context (GRCh38, chr2:165,994,418, plus strand): 5'-ATGCTTATGTCAAAAACTTGTCTGGTTACGAAGTCAAAGACCATTCCTTGAAATTTGTTC[T>C]GTAGAGAAATAGAAATGCTTTTAACAACAAAGGAGTTTTCTCATGTGCATTAGCATTAAG-3'

ClinVar aggregate classification (germline): Pathogenic/Likely pathogenic. Review status: criteria provided, multiple submitters, no conflicts (2 of 4 stars). 3 submissions from 3 submitters: Pathogenic (1); Likely pathogenic (1). 1 of the submissions does not count toward it. Last evaluated 2023-07-31.

Conditions:
Severe myoclonic epilepsy in infancy (DRVT). Also called: Epileptic encephalopathy, early infantile, 6 (Dravet syndrome); Dravet syndrome; Severe Myoclonic Epilepsy in Infancy (SMEI); SEVERE MYOCLONIC EPILEPSY OF INFANCY; DEVELOPMENTAL AND EPILEPTIC ENCEPHALOPATHY 6A. Identifiers: Orphanet 33069, MedGen C0751122, MONDO:0100135, OMIM 607208.
SCN1A-related disorder. Also called: SCN1A-related conditions; SCN1A-related condition; SCN1A-related disorders.
Early-infantile DEE. Also called: Ohtahara syndrome; Early infantile epileptic encephalopathy; Early infantile epileptic encephalopathy with suppression bursts. Identifiers: Orphanet 1934, MedGen C0393706, MONDO:0800491.

Submissions (3):

Blueprint Genetics
Classification: Likely pathogenic for SCN1A-related disorders. Last evaluated: 2023-07-31. Review status: criteria provided, single submitter. Criteria: ACMG Guidelines, 2015. Collection method: clinical testing. Allele origin: germline. Affected: yes. Observed: 1 variant allele.

Labcorp Genetics (formerly Invitae), Labcorp
Classification: Pathogenic for Early-infantile DEE. Last evaluated: 2023-05-25. Review status: criteria provided, single submitter. Criteria: Invitae Variant Classification Sherloc (09022015). Collection method: clinical testing. Allele origin: germline.
Comment: For these reasons, this variant has been classified as Pathogenic. Algorithms developed to predict the effect of sequence changes on RNA splicing suggest that this variant may disrupt the consensus splice site. ClinVar contains an entry for this variant (Variation ID: 1327585). Disruption of this splice site has been observed in individual(s) with Dravet syndrome (PMID: 21248271). In at least one individual the variant was observed to be de novo. This variant is not present in population databases (gnomAD no frequency). This sequence change affects an acceptor splice site in intron 24 of the SCN1A gene. It is expected to disrupt RNA splicing. Variants that disrupt the donor or acceptor splice site typically lead to a loss of protein function (PMID: 16199547), and loss-of-function variants in SCN1A are known to be pathogenic (PMID: 17347258, 18930999).

Cytogénomique, Hospices Civils de Lyon
Classification: Likely pathogenic for Severe myoclonic epilepsy in infancy. Review status: no assertion criteria provided. Collection method: clinical testing. Allele origin: unknown. Inheritance: Autosomal dominant inheritance. Affected: yes. Not counted in ClinVar's aggregate classification.

Literature cited by the submitters: PubMed 21248271 (cited by Labcorp Genetics (formerly Invitae), Labcorp); PubMed 16199547 (cited by Labcorp Genetics (formerly Invitae), Labcorp); PubMed 17347258 (cited by Labcorp Genetics (formerly Invitae), Labcorp); PubMed 18930999 (cited by Labcorp Genetics (formerly Invitae), Labcorp).